The following is an entry in ClinVar:

NM_000540.3(RYR1):c.6515C>A (p.Pro2172His)

Gene: RYR1 (ryanodine receptor 1; plus strand). Cytogenetic location: 19q13.2.
Variant type: single nucleotide variant.
Coding change: c.6515C>A on transcript NM_000540.3 (MANE Select); coding-DNA position 6515, C replaced by A.
Protein change: p.Pro2172His; replaces proline 2172 with histidine.
Molecular consequence: missense variant.
Genome position (GRCh38, 1-based): chr19:38,494,592, C>A. VCF-style: chr19-38494592-C-A. GRCh37 (hg19) VCF-style: chr19-38985232-C-A.
Other names: c.6515C>A, p.Pro2172His (NM_001042723.2); short protein forms P2172H.
Identifiers: ClinVar variation 4764867 (VCV004764867.1).

ClinVar aggregate classification (germline): Uncertain significance (1 of 4 stars; one submission).

Conditions:
RYR1-related disorder. Also called: RYR1-related condition; RYR1-related disorders. Identifiers: MedGen CN239331.

gnomAD v4.1: 44 of 1,614,138 alleles (0.0027%); highest among the groups gnomAD compares: Non-Finnish European, 0.0036%; no homozygotes.

Submission:

Labcorp Genetics (formerly Invitae), Labcorp
Classification: Uncertain significance for RYR1-related disorder. Last evaluated: 2025-04-08. Review status: criteria provided, single submitter. Criteria: Invitae Variant Classification Sherloc (09022015). Collection method: clinical testing. Allele origin: germline.
Comment: This sequence change replaces proline, which is neutral and non-polar, with histidine, which is basic and polar, at codon 2172 of the RYR1 protein (p.Pro2172His). This variant is present in population databases (rs376564417, gnomAD 0.003%). This variant has not been reported in the literature in individuals affected with RYR1-related conditions. Invitae Evidence Modeling of protein sequence and biophysical properties (such as structural, functional, and spatial information, amino acid conservation, physicochemical variation, residue mobility, and thermodynamic stability) indicates that this missense variant is not expected to disrupt RYR1 protein function with a negative predictive value of 80%. In summary, the available evidence is currently insufficient to determine the role of this variant in disease. Therefore, it has been classified as a Variant of Uncertain Significance.